The following is an entry in ClinVar:

ClinVar aggregate classification (germline): Uncertain significance (1 of 4 stars; one submission).

Conditions:
Immunodeficiency 51 (IMD51). Also called: CANDIDIASIS, FAMILIAL, 5. Identifiers: Orphanet 1334, MedGen C4310803, MONDO:0013500, OMIM 613953.

Allele frequency attached by ClinVar (database versions not stated): ExAC 0.00001; gnomAD 0.00001; gnomAD exomes 0.00001; TOPMed 0.00002.
gnomAD v4.1: 6 of 1,613,546 alleles (0.00037%); highest among the groups gnomAD compares: Admixed American, 0.0033%; no homozygotes.

Submission:

Labcorp Genetics (formerly Invitae), Labcorp
Classification: Uncertain significance for Immunodeficiency 51. Last evaluated: 2024-11-04. Review status: criteria provided, single submitter. Criteria: Invitae Variant Classification Sherloc (09022015). Collection method: clinical testing. Allele origin: germline.
Comment: This sequence change replaces tyrosine, which is neutral and polar, with histidine, which is basic and polar, at codon 361 of the IL17RA protein (p.Tyr361His). This variant is present in population databases (rs34545718, gnomAD 0.003%). This variant has not been reported in the literature in individuals affected with IL17RA-related conditions. ClinVar contains an entry for this variant (Variation ID: 577037). Invitae Evidence Modeling of protein sequence and biophysical properties (such as structural, functional, and spatial information, amino acid conservation, physicochemical variation, residue mobility, and thermodynamic stability) indicates that this missense variant is not expected to disrupt IL17RA protein function with a negative predictive value of 80%. In summary, the available evidence is currently insufficient to determine the role of this variant in disease. Therefore, it has been classified as a Variant of Uncertain Significance.

NM_014339.7(IL17RA):c.1081T>C (p.Tyr361His)

Genes: IL17RA (interleukin 17 receptor A; plus strand), LOC126863094 (MED14-independent group 3 enhancer GRCh37_chr22:17587847-17589046; plus strand). Cytogenetic location: 22q11.1.
Variant type: single nucleotide variant.
Coding change: c.1081T>C on transcript NM_014339.7 (MANE Select); coding-DNA position 1081, T replaced by C.
Protein change: p.Tyr361His; replaces tyrosine 361 with histidine.
Molecular consequence: missense variant.
Genome position (GRCh38, 1-based): chr22:17,107,762, T>C. VCF-style: chr22-17107762-T-C. GRCh37 (hg19) VCF-style: chr22-17588652-T-C.
Other names: c.979T>C, p.Tyr327His (NM_001289905.2); short protein forms Y361H, Y327H.
Identifiers: ClinVar variation 577037 (VCV000577037.10), dbSNP rs34545718, ClinGen allele CA10086658.